The following is an entry in ClinVar:

NM_001006658.3(CR2):c.1944C>G (p.Asn648Lys)

Gene: CR2 (complement C3d receptor 2; plus strand). Cytogenetic location: 1q32.2.
Variant type: single nucleotide variant.
Coding change: c.1944C>G on transcript NM_001006658.3 (MANE Select); coding-DNA position 1944, C replaced by G.
Protein change: p.Asn648Lys; replaces asparagine 648 with lysine.
Molecular consequence: missense variant.
Genome position (GRCh38, 1-based): chr1:207,473,145, C>G. VCF-style: chr1-207473145-C-G. GRCh37 (hg19) VCF-style: chr1-207646490-C-G.
Other names: c.1944C>G, p.Asn648Lys (NM_001877.5); short protein forms N648K.
Identifiers: ClinVar variation 658499 (VCV000658499.6), dbSNP rs1572957473, ClinGen allele CA344535431.

ClinVar aggregate classification (germline): Uncertain significance (1 of 4 stars; one submission).

Conditions:
Immunodeficiency, common variable, 7. Identifiers: Orphanet 1572, Orphanet 696894, MedGen C3542922, MONDO:0013862, OMIM 614699.

gnomAD v4.1: 1 of 1,613,934 alleles (0.000062%); highest among the groups gnomAD compares: Non-Finnish European, 0.000085%; no homozygotes.

Submission:

Labcorp Genetics (formerly Invitae), Labcorp
Classification: Uncertain significance for Immunodeficiency, common variable, 7. Last evaluated: 2022-06-04. Review status: criteria provided, single submitter. Criteria: Invitae Variant Classification Sherloc (09022015). Collection method: clinical testing. Allele origin: germline.
Comment: In summary, the available evidence is currently insufficient to determine the role of this variant in disease. Therefore, it has been classified as a Variant of Uncertain Significance. Algorithms developed to predict the effect of missense changes on protein structure and function are either unavailable or do not agree on the potential impact of this missense change (SIFT: "Tolerated"; PolyPhen-2: "Possibly Damaging"; Align-GVGD: "Class C15"). ClinVar contains an entry for this variant (Variation ID: 658499). This variant has not been reported in the literature in individuals affected with CR2-related conditions. This variant is not present in population databases (gnomAD no frequency). This sequence change replaces asparagine, which is neutral and polar, with lysine, which is basic and polar, at codon 648 of the CR2 protein (p.Asn648Lys).